The following is an entry in ClinVar:

NM_001348323.3(TRIP12):c.4789A>G (p.Ile1597Val)

Gene: TRIP12 (thyroid hormone receptor interactor 12; minus strand). Cytogenetic location: 2q36.3.
Variant type: single nucleotide variant.
Coding change: c.4789A>G on transcript NM_001348323.3 (MANE Select); coding-DNA position 4789, A replaced by G.
Protein change: p.Ile1597Val; replaces isoleucine 1597 with valine.
Molecular consequence: missense variant.
Genome position (GRCh38, 1-based): chr2:229,788,847, T>C on the plus strand (A>G on the coding strand, the complement: TRIP12 is on the minus strand). VCF-style: chr2-229788847-T-C. GRCh37 (hg19) VCF-style: chr2-230653563-T-C.
Other names: c.4708A>G, p.Ile1570Val (NM_001284214.2, NM_001348315.2); c.4663A>G, p.Ile1555Val (NM_001284215.2, NM_001348316.2); c.3754A>G, p.Ile1252Val (NM_001284216.2); c.4648A>G, p.Ile1550Val (NM_001348317.1, NM_001348318.2); c.4774A>G, p.Ile1592Val (NM_001348319.1, NM_001348320.2); c.4777A>G, p.Ile1593Val (NM_001348321.1); c.4789A>G, p.Ile1597Val (NM_001348322.1, NM_001348324.2, NM_001348325.2 and 2 more transcripts); c.4792A>G, p.Ile1598Val (NM_001348328.1, NM_001348329.2, NM_001348330.2); and 4 more; short protein forms I1252V, I1522V, I1523V, I1550V, I1555V, I1563V, I1570V, I1571V.
Identifiers: ClinVar variation 1806227 (VCV001806227.1), dbSNP rs2470983247, ClinGen allele CA350893722.

ClinVar aggregate classification (germline): Uncertain significance (1 of 4 stars; one submission).

Conditions:
Clark-Baraitser syndrome. Also called: MENTAL RETARDATION, AUTOSOMAL DOMINANT 49; Intellectual disability, autosomal dominant 49; BARAITSER SYNDROME; Mental retardation, tall stature, obesity, macrocephaly and typical facial features. Identifiers: Orphanet 600731, MedGen C2931130, MONDO:0030914, OMIM 617752.

Allele frequency attached by ClinVar (database versions not stated): gnomAD exomes below 0.00001.
gnomAD v4.1: 1 of 1,614,120 alleles (0.000062%); highest among the groups gnomAD compares: Non-Finnish European, 0.000085%; no homozygotes.

Submission:

Victorian Clinical Genetics Services, Murdoch Childrens Research Institute
Classification: Uncertain significance for Clark-Baraitser syndrome. Last evaluated: 2020-05-25. Review status: criteria provided, single submitter. Criteria: ACMG Guidelines, 2015. Collection method: clinical testing. Allele origin: germline. Inheritance: Autosomal dominant inheritance.
Comment: Based on the classification scheme VCGS_Germline_v1.1.1, this variant is classified as 3B-VUS. Following criteria are met: 0102 - Loss-of-function is a known mechanism of disease for this gene. (N) 0107 - This gene is known to be associated with autosomal dominant disease. (N) 0200 - Variant is predicted to result in a missense amino acid change from isoleucine to valine (exon 31). (N) 0251 - Variant is heterozygous. (N) 0301 - Variant is absent from gnomAD. (P) 0502 - Missense variant with conflicting in-silico predictions and/or uninformative conservation. (N) 0603 - Missense variant in a region that is highly intolerant to missense variation (high constraint region). (P) 0705 - No comparable variants have previous evidence for pathogenicity. (N) 0807 - Variant has not previously been reported in a clinical context. (N) 0905 - No segregation evidence has been identified for this variant. (N) 1007 - No published functional evidence has been identified for this variant. (N) 1208 - Inheritance information for this variant is not currently available. (N) Legend: (P) - Pathogenic, (N) - Neutral, (B) - Benign